The following is an entry in ClinVar:

NM_000925.4(PDHB):c.304-1G>C

Gene: PDHB (pyruvate dehydrogenase E1 subunit beta; minus strand). Cytogenetic location: 3p14.3.
Variant type: single nucleotide variant.
Coding change: c.304-1G>C on transcript NM_000925.4 (MANE Select); the canonical splice acceptor site of the intron before coding-DNA position 304, G replaced by C.
Molecular consequence: splice acceptor variant.
Genome position (GRCh38, 1-based): chr3:58,430,943, C>G on the plus strand (G>C on the coding strand, the complement: PDHB is on the minus strand). VCF-style: chr3-58430943-C-G. GRCh37 (hg19) VCF-style: chr3-58416670-C-G.
Other names: c.250-1G>C (NM_001315536.2); c.304-1G>C (NM_001173468.2).
Identifiers: ClinVar variation 2975494 (VCV002975494.3), dbSNP rs2471368092, ClinGen allele CA353362791.

ClinVar aggregate classification (germline): Likely pathogenic (1 of 4 stars; one submission).

Conditions:
Pyruvate dehydrogenase E1-beta deficiency (PDHBD). Identifiers: Orphanet 255138, Orphanet 765, MedGen C3279841, MONDO:0013580, OMIM 614111.

Submission:

Labcorp Genetics (formerly Invitae), Labcorp
Classification: Likely pathogenic for Pyruvate dehydrogenase E1-beta deficiency. Last evaluated: 2023-08-23. Review status: criteria provided, single submitter. Criteria: Invitae Variant Classification Sherloc (09022015). Collection method: clinical testing. Allele origin: germline.
Comment: This sequence change affects an acceptor splice site in intron 5 of the PDHB gene. It is expected to disrupt RNA splicing. Variants that disrupt the donor or acceptor splice site typically lead to a loss of protein function (PMID: 16199547), and loss-of-function variants in PDHB are known to be pathogenic (PMID: 21914562, 25356417). This variant is not present in population databases (gnomAD no frequency). This variant has not been reported in the literature in individuals affected with PDHB-related conditions. Algorithms developed to predict the effect of sequence changes on RNA splicing suggest that this variant may disrupt the consensus splice site. In summary, the currently available evidence indicates that the variant is pathogenic, but additional data are needed to prove that conclusively. Therefore, this variant has been classified as Likely Pathogenic.

Literature cited by the submitters: PubMed 16199547; PubMed 21914562; PubMed 25356417.